The following is an entry in ClinVar:

NM_001283009.2(RTEL1):c.3594G>T (p.Glu1198Asp)

Genes: RTEL1 (regulator of telomere elongation helicase 1; plus strand), RTEL1-TNFRSF6B (RTEL1-TNFRSF6B readthrough (NMD candidate); plus strand). Cytogenetic location: 20q13.33.
Variant type: single nucleotide variant.
Coding change: c.3594G>T on transcript NM_001283009.2 (MANE Select); coding-DNA position 3594, G replaced by T.
Protein change: p.Glu1198Asp; replaces glutamic acid 1198 with aspartic acid.
Molecular consequence: missense variant. On other transcripts: non-coding transcript variant (1).
Genome position (GRCh38, 1-based): chr20:63,695,422, G>T. VCF-style: chr20-63695422-G-T. GRCh37 (hg19) VCF-style: chr20-62326775-G-T.
Other names: c.2925G>T, p.Glu975Asp (NM_001283010.1); c.3594G>T, p.Glu1198Asp (NM_016434.4); c.3666G>T, p.Glu1222Asp (NM_032957.5); short protein forms E1198D, E1222D, E975D.
Identifiers: ClinVar variation 4863552 (VCV004863552.1).

ClinVar aggregate classification (germline): Uncertain significance (1 of 4 stars; one submission).

Conditions:
Inborn genetic diseases. Identifiers: MedGen C0950123, MeSH D030342.

Submission:

Ambry Genetics
Classification: Uncertain significance for Inborn genetic diseases. Last evaluated: 2026-04-12. Review status: criteria provided, single submitter. Criteria: Ambry Variant Classification Scheme 2023. Collection method: clinical testing. Allele origin: germline.
Comment: The p.E1198D variant (also known as c.3594G>T), located in coding exon 33 of the RTEL1 gene, results from a G to T substitution at nucleotide position 3594. The glutamic acid at codon 1198 is replaced by aspartic acid, an amino acid with highly similar properties. This amino acid position is conserved. In addition, this alteration is predicted to be tolerated by in silico analysis. Based on the available evidence, the clinical significance of this variant remains unclear.